The following is an entry in ClinVar:

NM_000018.4(ACADVL):c.1827+1G>T

Gene: ACADVL (acyl-CoA dehydrogenase very long chain; plus strand). Cytogenetic location: 17p13.1.
Variant type: single nucleotide variant.
Coding change: c.1827+1G>T on transcript NM_000018.4 (MANE Select); the canonical splice donor site of the intron after coding-DNA position 1827, G replaced by T.
Molecular consequence: splice donor variant.
Genome position (GRCh38, 1-based): chr17:7,224,885, G>T. VCF-style: chr17-7224885-G-T. GRCh37 (hg19) VCF-style: chr17-7128204-G-T.
Other names: c.1896+1G>T (NM_001270447.2); c.1599+1G>T (NM_001270448.2); c.1761+1G>T (NM_001033859.3).
Identifiers: ClinVar variation 4714947 (VCV004714947.1).

ClinVar aggregate classification (germline): Pathogenic (1 of 4 stars; one submission).

Conditions:
Very long chain acyl-CoA dehydrogenase deficiency (ACADVLD). Also called: Very Long-Chain Acyl-Coenzyme A Dehydrogenase Deficiency; VLCAD Deficiency. Identifiers: Orphanet 26793, MedGen C3887523, MONDO:0008723, OMIM 201475.

Submission:

Labcorp Genetics (formerly Invitae), Labcorp
Classification: Pathogenic for Very long chain acyl-CoA dehydrogenase deficiency. Last evaluated: 2025-03-12. Review status: criteria provided, single submitter. Criteria: Invitae Variant Classification Sherloc (09022015). Collection method: clinical testing. Allele origin: germline.
Comment: This sequence change affects a donor splice site in intron 19 of the ACADVL gene. While this variant is not anticipated to result in nonsense mediated decay, it likely alters RNA splicing and results in a disrupted protein product. This variant is not present in population databases (gnomAD no frequency). Disruption of this splice site has been observed in individual(s) with very long-chain acyl-CoA dehydrogenase deficiency (PMID: 30194637). Variants that disrupt the consensus splice site are a relatively common cause of aberrant splicing (PMID: 17576681, 9536098). Algorithms developed to predict the effect of sequence changes on RNA splicing suggest that this variant may disrupt the consensus splice site. This variant disrupts a region of the ACADVL protein in which other variant(s) (p.Val642Met) have been determined to be pathogenic (PMID: 31031081). This suggests that this is a clinically significant region of the protein, and that variants that disrupt it are likely to be disease-causing. For these reasons, this variant has been classified as Pathogenic.

Literature cited by the submitters: PubMed 30194637; PubMed 17576681; PubMed 9536098; PubMed 31031081.